The following is an entry in ClinVar:

ClinVar aggregate classification (germline): Uncertain significance (1 of 4 stars; one submission).

Conditions:
Gastrointestinal stromal tumor. Also called: Gastrointestinal stromal tumor, somatic; Gastrointestinal stroma tumor. Identifiers: Orphanet 44890, MedGen C0238198, MeSH D046152, MONDO:0011719, OMIM 606764, HP:0100723.

Submission:

Labcorp Genetics (formerly Invitae), Labcorp
Classification: Uncertain significance for Gastrointestinal stromal tumor. Last evaluated: 2018-12-09. Review status: criteria provided, single submitter. Criteria: Invitae Variant Classification Sherloc (09022015). Collection method: clinical testing. Allele origin: germline.
Comment: Algorithms developed to predict the effect of missense changes on protein structure and function are either unavailable or do not agree on the potential impact of this missense change (SIFT: "Tolerated"; PolyPhen-2: "Probably Damaging"; Align-GVGD: "Class C0"). This variant has not been reported in the literature in individuals with PDGFRA-related conditions. This variant is not present in population databases (ExAC no frequency). This sequence change replaces glycine with serine at codon 893 of the PDGFRA protein (p.Gly893Ser). The glycine residue is highly conserved and there is a small physicochemical difference between glycine and serine. In summary, the available evidence is currently insufficient to determine the role of this variant in disease. Therefore, it has been classified as a Variant of Uncertain Significance.

NM_006206.6(PDGFRA):c.2677G>A (p.Gly893Ser)

Gene: PDGFRA (platelet derived growth factor receptor alpha; plus strand). Cytogenetic location: 4q12.
Variant type: single nucleotide variant.
Coding change: c.2677G>A on transcript NM_006206.6 (MANE Select); coding-DNA position 2677, G replaced by A.
Protein change: p.Gly893Ser; replaces glycine 893 with serine.
Molecular consequence: missense variant.
Genome position (GRCh38, 1-based): chr4:54,288,801, G>A. VCF-style: chr4-54288801-G-A. GRCh37 (hg19) VCF-style: chr4-55154968-G-A.
Other names: c.2752G>A, p.Gly918Ser (NM_001347828.2); c.2677G>A, p.Gly893Ser (NM_001347829.2); c.2716G>A, p.Gly906Ser (NM_001347830.2); short protein forms G918S, G893S, G906S.
Identifiers: ClinVar variation 662753 (VCV000662753.9), dbSNP rs1577745913, ClinGen allele CA356895401.